The following is an entry in ClinVar:

NM_153704.6(TMEM67):c.1336G>C (p.Asp446His)

Gene: TMEM67 (transmembrane protein 67; plus strand). Cytogenetic location: 8q22.1.
Variant type: single nucleotide variant.
Coding change: c.1336G>C on transcript NM_153704.6 (MANE Select); coding-DNA position 1336, G replaced by C.
Protein change: p.Asp446His; replaces aspartic acid 446 with histidine.
Molecular consequence: missense variant. On other transcripts: non-coding transcript variant (1).
Genome position (GRCh38, 1-based): chr8:93,786,270, G>C. VCF-style: chr8-93786270-G-C. GRCh37 (hg19) VCF-style: chr8-94798498-G-C.
Other names: c.1093G>C, p.Asp365His (NM_001142301.1); short protein forms D365H, D446H.
Identifiers: ClinVar variation 56766 (VCV000056766.3), dbSNP rs386834184, ClinGen allele CA144444.
Genomic context (GRCh38, chr8:93,786,270, plus strand): 5'-TTTATAATAAAAGACAGCAACTCTGGAAAGTGGCTTCTAACTCGGCGCATTTTCTTAGTG[G>C]ATGCAGTAAGTGGACGAGAAAATGACTTAGGAACTCAGCCAAGAGTAATTCGAGTTGCTA-3'
Protein context (NP_714915.3, residues 436-456): WLLTRRIFLV[Asp446His]AVSGRENDLG

ClinVar aggregate classification (germline): Uncertain significance. Review status: criteria provided, single submitter (1 of 4 stars). 2 submissions from 2 submitters: Uncertain significance (1). 1 of the submissions does not count toward it. Last evaluated 2025-05-22.

Conditions:
Meckel-Gruber syndrome. Also called: DYSENCEPHALIA SPLANCHNOCYSTICA; GRUBER SYNDROME; Dysencephalia splachnocystica. Identifiers: Orphanet 564, MedGen C0265215, MONDO:0018921.
Joubert syndrome. Also called: CEREBELLOPARENCHYMAL DISORDER IV; JOUBERT-BOLTSHAUSER SYNDROME; Familial aplasia of the vermis. Identifiers: Orphanet 475, MedGen C5979921, MONDO:0018772.
Meckel syndrome, type 3 (MKS3). Also called: MECKEL-GRUBER SYNDROME, TYPE 3. Identifiers: Orphanet 564, MedGen C1846357, MONDO:0011821, OMIM 607361.

gnomAD v4.1: 4 of 1,613,984 alleles (0.00025%); highest among the groups gnomAD compares: Non-Finnish European, 0.00034%; no homozygotes.

Submissions (2):

Labcorp Genetics (formerly Invitae), Labcorp
Classification: Uncertain significance for Joubert syndrome; Meckel-Gruber syndrome. Last evaluated: 2025-05-22. Review status: criteria provided, single submitter. Criteria: Invitae Variant Classification Sherloc (09022015). Collection method: clinical testing. Allele origin: germline.
Comment: This sequence change replaces aspartic acid, which is acidic and polar, with histidine, which is basic and polar, at codon 446 of the TMEM67 protein (p.Asp446His). This variant is not present in population databases (gnomAD no frequency). This missense change has been observed in individual(s) with Meckel syndrome (PMID: 17397051). ClinVar contains an entry for this variant (Variation ID: 56766). Invitae Evidence Modeling of protein sequence and biophysical properties (such as structural, functional, and spatial information, amino acid conservation, physicochemical variation, residue mobility, and thermodynamic stability) indicates that this missense variant is expected to disrupt TMEM67 protein function with a positive predictive value of 95%. Algorithms developed to predict the effect of sequence changes on RNA splicing suggest that this variant may disrupt the consensus splice site. In summary, the available evidence is currently insufficient to determine the role of this variant in disease. Therefore, it has been classified as a Variant of Uncertain Significance.

Juha Muilu Group; Institute for Molecular Medicine Finland (FIMM)
Classification: Likely pathogenic for Meckel syndrome type 3. Review status: no assertion criteria provided. Collection method: not provided. Allele origin: unknown. Not counted in ClinVar's aggregate classification.
Comment: FinDis database variant: This variant was not found or characterized by our laboratory, data were collected from public sources: see reference
ClinVar note: Converted during submission from probable-pathogenic to Likely pathogenic.

Literature cited by the submitters: PubMed 17397051 (cited by Labcorp Genetics (formerly Invitae), Labcorp).